The following is an entry in ClinVar:

ClinVar aggregate classification (germline): Uncertain significance (1 of 4 stars; one submission).

Submission:

Ambry Genetics
Classification: Uncertain significance. Last evaluated: 2025-08-19. Review status: criteria provided, single submitter. Criteria: Ambry Variant Classification Scheme 2023. Collection method: clinical testing. Allele origin: germline.
Comment: The p.G1284D variant (also known as c.3851G>A), located in coding exon 14 of the CDK12 gene, results from a G to A substitution at nucleotide position 3851. The glycine at codon 1284 is replaced by aspartic acid, an amino acid with similar properties. This amino acid position is conserved. In addition, this alteration is predicted to be tolerated by in silico analysis. Based on the available evidence, the clinical significance of this variant remains unclear.

NM_016507.4(CDK12):c.3851G>A (p.Gly1284Asp)

Gene: CDK12 (cyclin dependent kinase 12; plus strand). Cytogenetic location: 17q12.
Variant type: single nucleotide variant.
Coding change: c.3851G>A on transcript NM_016507.4 (MANE Select); coding-DNA position 3851, G replaced by A.
Protein change: p.Gly1284Asp; replaces glycine 1284 with aspartic acid.
Molecular consequence: missense variant.
Genome position (GRCh38, 1-based): chr17:39,530,694, G>A. VCF-style: chr17-39530694-G-A. GRCh37 (hg19) VCF-style: chr17-37686947-G-A.
Other names: c.3824G>A, p.Gly1275Asp (NM_015083.4); short protein forms G1275D, G1284D.
Identifiers: ClinVar variation 4224395 (VCV004224395.1).